The following is an entry in ClinVar:

ClinVar aggregate classification (germline): Likely benign. Review status: criteria provided, multiple submitters, no conflicts (2 of 4 stars). 3 submissions from 3 submitters: Likely benign (3). Last evaluated 2025-08-12.

Allele frequency attached by ClinVar (database versions not stated): gnomAD 0.00001; ExAC 0.00002; gnomAD exomes 0.00002; TOPMed 0.00003.
gnomAD v4.1: 34 of 1,614,160 alleles (0.0021%); highest among the groups gnomAD compares: South Asian, 0.012%; no homozygotes.

Submissions (3):

Labcorp Genetics (formerly Invitae), Labcorp
Classification: Likely benign. Last evaluated: 2025-08-12. Review status: criteria provided, single submitter. Criteria: Invitae Variant Classification Sherloc (09022015). Collection method: clinical testing. Allele origin: germline.

CeGaT Center for Human Genetics Tuebingen
Classification: Likely benign. Last evaluated: 2025-01-01. Review status: criteria provided, single submitter. Criteria: CeGaT Center For Human Genetics Tuebingen Variant Classification Criteria Version 2. Collection method: clinical testing. Allele origin: germline. Affected: yes. Observed: 2 variant alleles.
Comment: ARMC9: BP4, BP7

Blueprint Genetics
Classification: Likely benign. Last evaluated: 2023-11-21. Review status: criteria provided, single submitter. Criteria: ACMG Guidelines, 2015. Collection method: clinical testing. Allele origin: germline.

NM_001352754.2(ARMC9):c.249A>C (p.Ser83=)

Gene: ARMC9 (armadillo repeat containing 9; plus strand). Cytogenetic location: 2q37.1.
Variant type: single nucleotide variant.
Coding change: c.249A>C on transcript NM_001352754.2 (MANE Select); coding-DNA position 249, A replaced by C.
Protein change: p.Ser83=; no amino-acid change (serine 83 retained).
Molecular consequence: synonymous variant. On other transcripts: non-coding transcript variant (1).
Genome position (GRCh38, 1-based): chr2:231,214,902, A>C. VCF-style: chr2-231214902-A-C. GRCh37 (hg19) VCF-style: chr2-232079615-A-C.
Other names: c.249A>C, p.Ser83= (NM_001271466.4, NM_001291656.2, NM_001352755.2 and 5 more transcripts).
Identifiers: ClinVar variation 1110327 (VCV001110327.33), dbSNP rs752044276, ClinGen allele CA2159884.